The following is an entry in ClinVar:

NM_015059.3(TLN2):c.6716G>A (p.Arg2239His)

Gene: TLN2 (talin 2; plus strand). Cytogenetic location: 15q22.2.
Variant type: single nucleotide variant.
Coding change: c.6716G>A on transcript NM_015059.3 (MANE Select); coding-DNA position 6716, G replaced by A.
Protein change: p.Arg2239His; replaces arginine 2239 with histidine.
Molecular consequence: missense variant.
Genome position (GRCh38, 1-based): chr15:62,809,977, G>A. VCF-style: chr15-62809977-G-A. GRCh37 (hg19) VCF-style: chr15-63102176-G-A.
Other names: c.6716G>A, p.Arg2239His (NM_001394547.1); short protein forms R2239H.
Identifiers: ClinVar variation 2645420 (VCV002645420.24), dbSNP rs75413920, ClinGen allele CA7600774.

ClinVar aggregate classification (germline): Benign (1 of 4 stars; one submission).

Allele frequency attached by ClinVar (database versions not stated): 1000 Genomes Project 0.00459; 1000 Genomes Project 30x 0.00531; ExAC 0.00865; gnomAD 0.00897; ESP Exome Variant Server 0.00984; TOPMed 0.01001.
gnomAD v4.1: 18,621 of 1,614,056 alleles (1.2%); highest among the groups gnomAD compares: Non-Finnish European, 1.3%; 141 homozygotes.

Submission:

CeGaT Center for Human Genetics Tuebingen
Classification: Benign. Last evaluated: 2023-10-01. Review status: criteria provided, single submitter. Criteria: CeGaT Center For Human Genetics Tuebingen Variant Classification Criteria Version 2. Collection method: clinical testing. Allele origin: germline. Affected: yes. Observed: 1 variant allele.
Comment: TLN2: BP4, BS1, BS2